The following is an entry in ClinVar:

ClinVar aggregate classification (germline): Pathogenic. Review status: criteria provided, multiple submitters, no conflicts (2 of 4 stars). 2 submissions from 2 submitters: Pathogenic (2). Last evaluated 2025-04-28.

Conditions:
Retinal dystrophy. Also called: Inherited retinal dystrophy. Identifiers: Orphanet 71862, MedGen C0854723, MeSH D058499, MONDO:0019118, HP:0000556.

Submissions (2):

Labcorp Genetics (formerly Invitae), Labcorp
Classification: Pathogenic. Last evaluated: 2025-04-28. Review status: criteria provided, single submitter. Criteria: Invitae Variant Classification Sherloc (09022015). Collection method: clinical testing. Allele origin: germline.
Comment: This sequence change creates a premature translational stop signal (p.Gln3500*) in the USH2A gene. It is expected to result in an absent or disrupted protein product. Loss-of-function variants in USH2A are known to be pathogenic (PMID: 10729113, 10909849, 20507924, 25649381). This variant is not present in population databases (gnomAD no frequency). This premature translational stop signal has been observed in individual(s) with retinitis pigmentosa (PMID: 35814500). ClinVar contains an entry for this variant (Variation ID: 2106548). For these reasons, this variant has been classified as Pathogenic.

Dept Of Ophthalmology, Nagoya University
Classification: Pathogenic for Retinal dystrophy. Last evaluated: 2023-10-01. Review status: criteria provided, single submitter. Criteria: Submitter's publication. Collection method: research. Allele origin: germline. Affected: yes.

Literature cited by the submitters: PubMed 10729113 (cited by Labcorp Genetics (formerly Invitae), Labcorp); PubMed 10909849 (cited by Labcorp Genetics (formerly Invitae), Labcorp); PubMed 20507924 (cited by Labcorp Genetics (formerly Invitae), Labcorp); PubMed 25649381 (cited by Labcorp Genetics (formerly Invitae), Labcorp); PubMed 35814500 (cited by Labcorp Genetics (formerly Invitae), Labcorp).

NM_206933.4(USH2A):c.10498C>T (p.Gln3500Ter)

Gene: USH2A (usherin; minus strand). Cytogenetic location: 1q41.
Variant type: single nucleotide variant.
Coding change: c.10498C>T on transcript NM_206933.4 (MANE Select); coding-DNA position 10498, C replaced by T.
Protein change: p.Gln3500Ter; replaces glutamine 3500 with a stop codon.
Molecular consequence: nonsense.
Genome position (GRCh38, 1-based): chr1:215,782,825, G>A on the plus strand (C>T on the coding strand, the complement: USH2A is on the minus strand). VCF-style: chr1-215782825-G-A. GRCh37 (hg19) VCF-style: chr1-215956167-G-A.
Other names: short protein forms Q3500*.
Identifiers: ClinVar variation 2106548 (VCV002106548.5), dbSNP rs549931193, ClinGen allele CA37437933.
Genomic context (GRCh38, chr1:215,782,825, plus strand): 5'-TTAAGACAATTGTATCTTCAAGATTGTCTATTTTGGTCCACGTAGGGGGACTCACTCCTT[G>A]AGGCACATCTTCTTTTGTTCTGGCTCTCACAGCTTTGCTGAGTCCTCGCCCATAGCTGTT-3'